The following is an entry in ClinVar:

ClinVar aggregate classification (germline): Uncertain significance. Review status: criteria provided, multiple submitters, no conflicts (2 of 4 stars). 2 submissions from 2 submitters: Uncertain significance (2). Last evaluated 2025-05-19.

Conditions:
Inborn genetic diseases. Identifiers: MedGen C0950123, MeSH D030342.

Allele frequency attached by ClinVar (database versions not stated): ExAC 0.00005.
gnomAD v4.1: 35 of 1,613,582 alleles (0.0022%); highest among the groups gnomAD compares: African/African-American, 0.031%; no homozygotes.

Submissions (2):

Labcorp Genetics (formerly Invitae), Labcorp
Classification: Uncertain significance. Last evaluated: 2025-05-19. Review status: criteria provided, single submitter. Criteria: Invitae Variant Classification Sherloc (09022015). Collection method: clinical testing. Allele origin: germline.
Comment: This sequence change replaces arginine, which is basic and polar, with glutamine, which is neutral and polar, at codon 2018 of the MYO18B protein (p.Arg2018Gln). This variant is present in population databases (rs751377606, gnomAD 0.04%). This variant has not been reported in the literature in individuals affected with MYO18B-related conditions. ClinVar contains an entry for this variant (Variation ID: 2158110). An algorithm developed to predict the effect of missense changes on protein structure and function (PolyPhen-2) suggests that this variant is likely to be disruptive. In summary, the available evidence is currently insufficient to determine the role of this variant in disease. Therefore, it has been classified as a Variant of Uncertain Significance.

Ambry Genetics
Classification: Uncertain significance for Inborn genetic diseases. Last evaluated: 2024-01-16. Review status: criteria provided, single submitter. Criteria: Ambry Variant Classification Scheme 2023. Collection method: clinical testing. Allele origin: germline.

NM_032608.7(MYO18B):c.6053G>A (p.Arg2018Gln)

Gene: MYO18B (myosin XVIIIB; plus strand). Cytogenetic location: 22q12.1.
Variant type: single nucleotide variant.
Coding change: c.6053G>A on transcript NM_032608.7 (MANE Select); coding-DNA position 6053, G replaced by A.
Protein change: p.Arg2018Gln; replaces arginine 2018 with glutamine.
Molecular consequence: missense variant.
Genome position (GRCh38, 1-based): chr22:25,955,261, G>A. VCF-style: chr22-25955261-G-A. GRCh37 (hg19) VCF-style: chr22-26351227-G-A.
Other names: c.6053G>A (NM_032608.5); c.6056G>A, p.Arg2019Gln (NM_001318245.2); short protein forms R2018Q, R2019Q.
Identifiers: ClinVar variation 2158110 (VCV002158110.3), dbSNP rs751377606, ClinGen allele CA10161386.